The following is an entry in ClinVar:

NM_007078.3(LDB3):c.860-22_860-12del

Gene: LDB3 (LIM domain binding 3; plus strand). Cytogenetic location: 10q23.2.
Variant type: Deletion.
Coding change: c.860-22_860-12del on transcript NM_007078.3 (MANE Select); 22 bases into the intron before coding-DNA position 860 through 12 bases into the intron before coding-DNA position 860, 11 bases deleted (ACCAGCTCCTT).
Molecular consequence: intron variant.
Genome position (GRCh38, 1-based): chr10:86,692,513-86,692,523, ACCAGCTCCTT deleted. VCF-style (leftmost placement, unchanged base first): chr10-86692512-GACCAGCTCCTT-G. GRCh37 (hg19) VCF-style: chr10-88452269-GACCAGCTCCTT-G.
Other names: c.860-22_860-12del (NM_001368064.1, NM_001368063.1, NM_001368065.1 and 1 more transcripts); c.719-22_719-12del (NM_001368068.1, NM_001368066.1, NM_001080114.2 and 2 more transcripts); c.1064-22_1064-12del (NM_001171610.2, NM_001171611.2).
Identifiers: ClinVar variation 179065 (VCV000179065.13), dbSNP rs727504602, ClinGen allele CA183660.

ClinVar aggregate classification (germline): Uncertain significance. Review status: criteria provided, multiple submitters, no conflicts (2 of 4 stars). 3 submissions from 3 submitters: Uncertain significance (3). Last evaluated 2025-09-15.

Conditions:
Myofibrillar myopathy 4. Also called: Zaspopathy (type). Identifiers: Orphanet 98912, MedGen C4721886, MONDO:0012277, OMIM 609452.

Submissions (3):

Labcorp Genetics (formerly Invitae), Labcorp
Classification: Uncertain significance for Myofibrillar myopathy 4. Last evaluated: 2025-09-15. Review status: criteria provided, single submitter. Criteria: Invitae Variant Classification Sherloc (09022015). Collection method: clinical testing. Allele origin: germline.
Comment: This sequence change falls in intron 6 of the LDB3 gene. It does not directly change the encoded amino acid sequence of the LDB3 protein. This variant is not present in population databases (gnomAD no frequency). This variant has not been reported in the literature in individuals affected with LDB3-related conditions. ClinVar contains an entry for this variant (Variation ID: 179065). Algorithms developed to predict the effect of sequence changes on RNA splicing suggest that this variant may disrupt the consensus splice site. In summary, the available evidence is currently insufficient to determine the role of this variant in disease. Therefore, it has been classified as a Variant of Uncertain Significance.

Eurofins Ntd Llc (ga)
Classification: Uncertain significance. Last evaluated: 2016-06-14. Review status: criteria provided, single submitter. Criteria: EGL Classification Definitions 2015. Collection method: clinical testing. Allele origin: germline.

Laboratory for Molecular Medicine, Mass General Brigham Personalized Medicine
Classification: Uncertain significance. Last evaluated: 2013-06-14. Review status: criteria provided, single submitter. Criteria: LMM Criteria. Collection method: clinical testing. Allele origin: germline. Observed: 1 variant allele.
Comment: The 860-22_860-12del variant in LDB3 has not been reported in individuals with c ardiomyopathy. Data from large population studies is insufficient to assess its frequency in the general population. It is located in the 5' splice region. One of 5 computational tools suggests an impact to splicing, though this information is not predictive enough to determine pathogenicity. Additional studies are nee ded to fully assess its clinical significance.